The following is an entry in ClinVar:

NM_004415.4(DSP):c.4514C>T (p.Ala1505Val)

Gene: DSP (desmoplakin; plus strand). Cytogenetic location: 6p24.3.
Variant type: single nucleotide variant.
Coding change: c.4514C>T on transcript NM_004415.4 (MANE Select); coding-DNA position 4514, C replaced by T.
Protein change: p.Ala1505Val; replaces alanine 1505 with valine.
Molecular consequence: missense variant. On other transcripts: intron variant (2).
Genome position (GRCh38, 1-based): chr6:7,580,704, C>T. VCF-style: chr6-7580704-C-T. GRCh37 (hg19) VCF-style: chr6-7580937-C-T.
Other names: c.4050+464C>T (NM_001319034.2); c.3582+932C>T (NM_001008844.3); short protein forms A1505V.
Identifiers: ClinVar variation 228642 (VCV000228642.24), dbSNP rs375919492, ClinGen allele CA041817.

ClinVar aggregate classification (germline): Conflicting classifications of pathogenicity. Review status: criteria provided, conflicting classifications (1 of 4 stars). 6 submissions from 6 submitters: Uncertain significance (3); Likely benign (3). Last evaluated 2026-01-12.

Conditions:
Cardiovascular phenotype. Identifiers: MedGen CN230736.
Arrhythmogenic cardiomyopathy with wooly hair and keratoderma. Also called: PALMOPLANTAR KERATODERMA WITH LEFT VENTRICULAR CARDIOMYOPATHY AND WOOLLY HAIR; Dilated cardiomyopathy with woolly hair and keratoderma; Carvajal syndrome; Arrhythmogenic cardiomyopathy with woolly hair and keratoderma. Identifiers: Orphanet 65282, MedGen C1854063, MONDO:0011581, OMIM 605676.
Arrhythmogenic right ventricular dysplasia 8 (ARVD8). Also called: Arrhythmogenic Right Ventricular Dysplasia/Cardiomyopathy 8; ARRHYTHMOGENIC RIGHT VENTRICULAR DYSPLASIA, FAMILIAL, 8; ARRHYTHMOGENIC RIGHT VENTRICULAR CARDIOMYOPATHY 8. Identifiers: MedGen C1843896, MONDO:0011831, OMIM 607450.
Cardiomyopathy (CMYO). Also called: Cardiomyopathies. Identifiers: Orphanet 167848, MedGen C0878544, MONDO:0004994, HP:0001638. Inheritance: Various modes of inheritance.

Allele frequency attached by ClinVar (database versions not stated): gnomAD 0.00002 and 0.00003; TOPMed 0.00003; gnomAD exomes 0.00006; ExAC 0.00007; ESP Exome Variant Server 0.00015.
gnomAD v4.1: 67 of 1,613,946 alleles (0.0042%); highest among the groups gnomAD compares: Non-Finnish European, 0.0049%; no homozygotes.

Submissions (6):

Labcorp Genetics (formerly Invitae), Labcorp
Classification: Likely benign for Arrhythmogenic cardiomyopathy with wooly hair and keratoderma; Arrhythmogenic right ventricular dysplasia 8. Last evaluated: 2026-01-12. Review status: criteria provided, single submitter. Criteria: Invitae Variant Classification Sherloc (09022015). Collection method: clinical testing. Allele origin: germline.

Ambry Genetics
Classification: Likely benign for Cardiovascular phenotype. Last evaluated: 2025-08-13. Review status: criteria provided, single submitter. Criteria: Ambry Variant Classification Scheme 2023. Collection method: clinical testing. Allele origin: germline.

Laboratory of Genetics, Children's Clinical University Hospital Latvia
Classification: Likely benign. Last evaluated: 2025-02-16. Review status: criteria provided, single submitter. Criteria: ACMG Guidelines, 2015. Collection method: clinical testing. Allele origin: germline. Affected: yes.

All of Us Research Program, National Institutes of Health
Classification: Uncertain significance for Arrhythmogenic cardiomyopathy with wooly hair and keratoderma. Last evaluated: 2024-09-23. Review status: criteria provided, single submitter. Criteria: ACMG Guidelines, 2015. Collection method: clinical testing. Allele origin: germline. Inheritance: Autosomal dominant inheritance. Observed: 18 variant alleles, 18 heterozygotes.
Comment: This missense variant replaces alanine with valine at codon 1505 of the DSP protein. Computational prediction suggests that this variant may not impact protein structure and function (internally defined REVEL score threshold <= 0.5, PMID: 27666373). To our knowledge, functional studies have not been reported for this variant. This variant has been reported in an individual affected with arrhythmogenic right ventricular cardiomyopathy (PMID: 20857253). This variant has been identified in 19/280894 chromosomes in the general population by the Genome Aggregation Database (gnomAD). The available evidence is insufficient to determine the role of this variant in disease conclusively. Therefore, this variant is classified as a Variant of Uncertain Significance.

This study involves interpretation of variants in research participants for the purpose of population health screening. Participant phenotype was not available at the time of variant classification. Additional details can be found in publication PMID: 35346344, PMCID: PMC8962531

Color Diagnostics, LLC DBA Color Health
Classification: Uncertain significance for Cardiomyopathy. Last evaluated: 2023-12-06. Review status: criteria provided, single submitter. Criteria: ACMG Guidelines, 2015. Collection method: clinical testing. Allele origin: germline.
Comment: This missense variant replaces alanine with valine at codon 1505 of the DSP protein. Computational prediction suggests that this variant may not impact protein structure and function (internally defined REVEL score threshold <= 0.5, PMID: 27666373). To our knowledge, functional studies have not been reported for this variant. This variant has been reported in an individual affected with arrhythmogenic right ventricular cardiomyopathy (PMID: 20857253). This variant has been identified in 19/280894 chromosomes in the general population by the Genome Aggregation Database (gnomAD). The available evidence is insufficient to determine the role of this variant in disease conclusively. Therefore, this variant is classified as a Variant of Uncertain Significance.

Laboratory for Molecular Medicine, Mass General Brigham Personalized Medicine
Classification: Uncertain significance. Last evaluated: 2015-08-12. Review status: criteria provided, single submitter. Criteria: LMM Criteria. Collection method: clinical testing. Allele origin: germline. Observed: 1 variant allele.
Comment: Variant classified as Uncertain Significance - Favor Benign. The p.Ala1505Val va riant in DSP has not been previously reported in individuals with cardiomyopathy , but has been identified in 6/65984 European chromosomes by the Exome Aggregati on Consortium (ExAC; dbSNP rs375919492). Alanine (Ala) at position 1505 is not conserved in evolution and 2 mammals and 1 amphib ian (squirrel, Wedell seal, and X. tropicalis) carry a valine (Val), raising the possibility that this change may be tolerated. Although this suggests that the variant may not impact the protein, this information is not predictive enough to rule out pathogenicity. In summary, while the clinical significance of the p.Al a1505Val variant is uncertain, these data suggest that it is more likely to be b enign.

Literature cited by the submitters: PubMed 20857253 (cited by 3 submitters); PubMed 20031617 (cited by Laboratory for Molecular Medicine, Mass General Brigham Personalized Medicine).